The following is an entry in ClinVar:

ClinVar aggregate classification (germline): Uncertain significance (1 of 4 stars; one submission).

Submission:

Labcorp Genetics (formerly Invitae), Labcorp
Classification: Uncertain significance. Last evaluated: 2024-03-05. Review status: criteria provided, single submitter. Criteria: Invitae Variant Classification Sherloc (09022015). Collection method: clinical testing. Allele origin: germline.
Comment: This sequence change replaces alanine, which is neutral and non-polar, with threonine, which is neutral and polar, at codon 165 of the MYCN protein (p.Ala165Thr). This variant is present in population databases (no rsID available, gnomAD 0.01%). This variant has not been reported in the literature in individuals affected with MYCN-related conditions. Advanced modeling of protein sequence and biophysical properties (such as structural, functional, and spatial information, amino acid conservation, physicochemical variation, residue mobility, and thermodynamic stability) performed at Invitae indicates that this missense variant is not expected to disrupt MYCN protein function with a negative predictive value of 80%. In summary, the available evidence is currently insufficient to determine the role of this variant in disease. Therefore, it has been classified as a Variant of Uncertain Significance.

NM_005378.6(MYCN):c.493G>A (p.Ala165Thr)

Gene: MYCN (MYCN proto-oncogene, bHLH transcription factor; plus strand). Cytogenetic location: 2p24.3.
Variant type: single nucleotide variant.
Coding change: c.493G>A on transcript NM_005378.6 (MANE Select); coding-DNA position 493, G replaced by A.
Protein change: p.Ala165Thr; replaces alanine 165 with threonine.
Molecular consequence: missense variant. On other transcripts: 3 prime UTR variant (1), intron variant (1).
Genome position (GRCh38, 1-based): chr2:15,942,557, G>A. VCF-style: chr2-15942557-G-A. GRCh37 (hg19) VCF-style: chr2-16082679-G-A.
Other names: c.493G>A, p.Ala165Thr (NM_001293228.2); c.*428G>A (NM_001293233.2); c.157+1814G>A (NM_001293231.2); short protein forms A165T.
Identifiers: ClinVar variation 3679489 (VCV003679489.2).